The following is an entry in ClinVar:

ClinVar aggregate classification (germline): Benign/Likely benign. Review status: criteria provided, multiple submitters, no conflicts (2 of 4 stars). 6 submissions from 6 submitters: Benign (3); Likely benign (3). Last evaluated 2026-01-19.

Conditions:
KBG syndrome (KBGS). Also called: ANKRD11-Related KBG Syndrome. Identifiers: Orphanet 2332, MedGen C0220687, MONDO:0007846, OMIM 148050.
Inborn genetic diseases. Identifiers: MedGen C0950123, MeSH D030342.

Allele frequency attached by ClinVar (database versions not stated): 1000 Genomes Project 30x 0.00016; 1000 Genomes Project 0.00020; gnomAD 0.00058 and 0.00061; TOPMed 0.00063.
gnomAD v4.1: 161 of 1,560,672 alleles (0.01%); highest among the groups gnomAD compares: African/African-American, 0.2%; 1 homozygote.

Submissions (6):

Labcorp Genetics (formerly Invitae), Labcorp
Classification: Likely benign for KBG syndrome. Last evaluated: 2026-01-19. Review status: criteria provided, single submitter. Criteria: Invitae Variant Classification Sherloc (09022015). Collection method: clinical testing. Allele origin: germline.

Ambry Genetics
Classification: Likely benign for Inborn genetic diseases. Last evaluated: 2022-08-17. Review status: criteria provided, single submitter. Criteria: Ambry Variant Classification Scheme 2023. Collection method: clinical testing. Allele origin: germline.

CeGaT Center for Human Genetics Tuebingen
Classification: Benign. Last evaluated: 2022-08-01. Review status: criteria provided, single submitter. Criteria: CeGaT Center For Human Genetics Tuebingen Variant Classification Criteria Version 2. Collection method: clinical testing. Allele origin: germline. Affected: yes. Observed: 1 variant allele.
Comment: ANKRD11: BS1, BS2

Genome-Nilou Lab
Classification: Benign for KBG syndrome. Last evaluated: 2021-12-05. Review status: criteria provided, single submitter. Criteria: ACMG Guidelines, 2015. Collection method: clinical testing. Allele origin: germline. Affected: no.

GeneDx
Classification: Benign. Last evaluated: 2020-10-19. Review status: criteria provided, single submitter. Criteria: GeneDx Variant Classification Process June 2021. Collection method: clinical testing. Allele origin: germline. Affected: yes.

Athena Diagnostics
Classification: Likely benign. Last evaluated: 2018-01-25. Review status: criteria provided, single submitter. Criteria: Athena Diagnostics Criteria. Collection method: clinical testing. Allele origin: germline.

NM_013275.6(ANKRD11):c.6140C>G (p.Ala2047Gly)

Gene: ANKRD11 (ankyrin repeat domain 11; minus strand). Cytogenetic location: 16q24.3.
Variant type: single nucleotide variant.
Coding change: c.6140C>G on transcript NM_013275.6 (MANE Select); coding-DNA position 6140, C replaced by G.
Protein change: p.Ala2047Gly; replaces alanine 2047 with glycine.
Molecular consequence: missense variant.
Genome position (GRCh38, 1-based): chr16:89,280,402, G>C on the plus strand (C>G on the coding strand, the complement: ANKRD11 is on the minus strand). VCF-style: chr16-89280402-G-C. GRCh37 (hg19) VCF-style: chr16-89346810-G-C.
Other names: c.6140C>G, p.Ala2047Gly (NM_001256182.2, NM_001256183.2); short protein forms A2047G.
Identifiers: ClinVar variation 585417 (VCV000585417.42), dbSNP rs199691161, ClinGen allele CA8241562.
Genomic context (GRCh38, chr16:89,280,402, plus strand): 5'-CTGAAGAAGGACTCCAGCCCGGAGGGAGGGGCGTAGGGAGCCGCCTCTGAGGTGGAGATG[G>C]CGGCGGGGACGGCGTCCACTCCGTCCTTGACGTCCTCCAGCCCCGGCTCAGCGACGGGCA-3'
Protein context (NP_037407.4, residues 2037-2057): VKDGVDAVPA[Ala2047Gly]ISTSEAAPYA